The following is an entry in ClinVar:

NM_003322.6(TULP1):c.89G>A (p.Arg30His)

Gene: TULP1 (TUB like protein 1; minus strand). Cytogenetic location: 6p21.31.
Variant type: single nucleotide variant.
Coding change: c.89G>A on transcript NM_003322.6 (MANE Select); coding-DNA position 89, G replaced by A.
Protein change: p.Arg30His; replaces arginine 30 with histidine.
Molecular consequence: missense variant.
Genome position (GRCh38, 1-based): chr6:35,512,649, C>T on the plus strand (G>A on the coding strand, the complement: TULP1 is on the minus strand). VCF-style: chr6-35512649-C-T. GRCh37 (hg19) VCF-style: chr6-35480426-C-T.
Other names: c.89G>A, p.Arg30His (NM_001289395.2); short protein forms R30H.
Identifiers: ClinVar variation 1352264 (VCV001352264.6), dbSNP rs1398566369, ClinGen allele CA363785267.

ClinVar aggregate classification (germline): Uncertain significance. Review status: criteria provided, multiple submitters, no conflicts (2 of 4 stars). 2 submissions from 2 submitters: Uncertain significance (2). Last evaluated 2024-06-11.

Allele frequency attached by ClinVar (database versions not stated): gnomAD exomes below 0.00001; gnomAD 0.00001; TOPMed 0.00001.
gnomAD v4.1: 5 of 1,613,688 alleles (0.00031%); highest among the groups gnomAD compares: Admixed American, 0.0033%; no homozygotes.

Submissions (2):

Blueprint Genetics
Classification: Uncertain significance. Last evaluated: 2024-06-11. Review status: criteria provided, single submitter. Criteria: ACMG Guidelines, 2015. Collection method: clinical testing. Allele origin: germline.

Labcorp Genetics (formerly Invitae), Labcorp
Classification: Uncertain significance. Last evaluated: 2022-07-06. Review status: criteria provided, single submitter. Criteria: Invitae Variant Classification Sherloc (09022015). Collection method: clinical testing. Allele origin: germline.
Comment: This sequence change replaces arginine, which is basic and polar, with histidine, which is basic and polar, at codon 30 of the TULP1 protein (p.Arg30His). This variant is present in population databases (no rsID available, gnomAD 0.003%). This variant has not been reported in the literature in individuals affected with TULP1-related conditions. ClinVar contains an entry for this variant (Variation ID: 1352264). Algorithms developed to predict the effect of missense changes on protein structure and function output the following: SIFT: "Not Available"; PolyPhen-2: "Benign"; Align-GVGD: "Not Available". The histidine amino acid residue is found in multiple mammalian species, which suggests that this missense change does not adversely affect protein function. In summary, the available evidence is currently insufficient to determine the role of this variant in disease. Therefore, it has been classified as a Variant of Uncertain Significance.